The following is an entry in ClinVar:

ClinVar aggregate classification (germline): Uncertain significance (1 of 4 stars; one submission).

gnomAD v4.1: 6 of 1,613,792 alleles (0.00037%); highest among the groups gnomAD compares: African/African-American, 0.008%; no homozygotes.

Submission:

GeneDx
Classification: Uncertain significance. Last evaluated: 2024-09-08. Review status: criteria provided, single submitter. Criteria: GeneDx Variant Classification Process June 2021. Collection method: clinical testing. Allele origin: germline. Affected: yes.
Comment: In silico analysis indicates that this missense variant does not alter protein structure/function; Has not been previously published as pathogenic or benign to our knowledge

NM_020987.5(ANK3):c.265G>A (p.Val89Ile)

Gene: ANK3 (ankyrin 3; minus strand). Cytogenetic location: 10q21.2.
Variant type: single nucleotide variant.
Coding change: c.265G>A on transcript NM_020987.5 (MANE Select); coding-DNA position 265, G replaced by A.
Protein change: p.Val89Ile; replaces valine 89 with isoleucine.
Molecular consequence: missense variant.
Genome position (GRCh38, 1-based): chr10:60,279,100, C>T on the plus strand (G>A on the coding strand, the complement: ANK3 is on the minus strand). VCF-style: chr10-60279100-C-T. GRCh37 (hg19) VCF-style: chr10-62038858-C-T.
Other names: c.247G>A, p.Val83Ile (NM_001204403.2); c.214G>A, p.Val72Ile (NM_001204404.2); c.265G>A, p.Val89Ile (NM_001320874.2); short protein forms V72I, V83I, V89I.
Identifiers: ClinVar variation 3767495 (VCV003767495.1).